The following is an entry in ClinVar:

ClinVar aggregate classification (germline): Uncertain significance (1 of 4 stars; one submission).

Submission:

Labcorp Genetics (formerly Invitae), Labcorp
Classification: Uncertain significance. Last evaluated: 2022-09-28. Review status: criteria provided, single submitter. Criteria: Invitae Variant Classification Sherloc (09022015). Collection method: clinical testing. Allele origin: germline.
Comment: In summary, the available evidence is currently insufficient to determine the role of this variant in disease. Therefore, it has been classified as a Variant of Uncertain Significance. Experimental studies and prediction algorithms are not available or were not evaluated, and the functional significance of this variant is currently unknown. This variant has not been reported in the literature in individuals affected with LIPG-related conditions. This variant results in a copy number gain of the genomic region encompassing exon(s) 5-10 of the LIPG gene. This region includes the termination codon of the gene. This copy number gain extends beyond the assayed region for this gene and therefore may encompass additional genes. As the precise location of this event is unknown, it may be in tandem or it may be located elsewhere in the genome.

NC_000018.9:g.(?_47101719)_(47116892_?)dup

Gene: LIPG (lipase G, endothelial type; plus strand). Cytogenetic location: 18q21.1.
Variant type: Duplication.
Identifiers: ClinVar variation 2425472 (VCV002425472.4).